The following is an entry in ClinVar:

ClinVar aggregate classification (germline): Conflicting classifications of pathogenicity. Review status: criteria provided, conflicting classifications (1 of 4 stars). 2 submissions from 2 submitters: Uncertain significance (1); Likely benign (1). Last evaluated 2024-09-20.

Conditions:
Hypogonadotropic hypogonadism 5 with or without anosmia (KAL5). Also called: HYPOGONADOTROPIC HYPOGONADISM 5 WITH ANOSMIA; HYPOGONADOTROPHIC HYPOGONADISM 5 WITHOUT ANOSMIA; CHD7-Related GnRH Deficiency (Kallmann Syndrome 5). Identifiers: Orphanet 478, MedGen C3552553, MONDO:0012880, OMIM 612370. Disease mechanism: loss of function.
CHARGE syndrome (CHARGE). Also called: Hittner Hirsch Kreh syndrome; CHARGE ASSOCIATION--COLOBOMA, HEART ANOMALY, CHOANAL ATRESIA, RETARDATION, GENITAL AND EAR ANOMALIES; Coloboma, heart anomaly, choanal atresia, retardation, genital and ear anomalies; CHARGE association; Hall-Hittner syndrome. Identifiers: Orphanet 138, MedGen C0265354, MONDO:0008965.

Submissions (2):

3billion
Classification: Likely benign for CHD7-related CHARGE syndrome; Hypogonadotropic hypogonadism 5 with or without anosmia. Last evaluated: 2024-09-20. Review status: criteria provided, single submitter. Criteria: ACMG Guidelines, 2015. Collection method: clinical testing. Allele origin: germline. Affected: no.
Comment: The variant was identified in at least one patient who was diagnosed with a different variant in another gene and showed no symptoms related to the gene containing the variant in question.

Labcorp Genetics (formerly Invitae), Labcorp
Classification: Uncertain significance for CHARGE syndrome. Last evaluated: 2024-02-13. Review status: criteria provided, single submitter. Criteria: Invitae Variant Classification Sherloc (09022015). Collection method: clinical testing. Allele origin: germline.
Comment: This sequence change replaces alanine, which is neutral and non-polar, with threonine, which is neutral and polar, at codon 2731 of the CHD7 protein (p.Ala2731Thr). This variant is not present in population databases (gnomAD no frequency). This variant has not been reported in the literature in individuals affected with CHD7-related conditions. ClinVar contains an entry for this variant (Variation ID: 2198967). Advanced modeling of protein sequence and biophysical properties (such as structural, functional, and spatial information, amino acid conservation, physicochemical variation, residue mobility, and thermodynamic stability) performed at Invitae indicates that this missense variant is not expected to disrupt CHD7 protein function with a negative predictive value of 95%. In summary, the available evidence is currently insufficient to determine the role of this variant in disease. Therefore, it has been classified as a Variant of Uncertain Significance.

NM_017780.4(CHD7):c.8191G>A (p.Ala2731Thr)

Gene: CHD7 (chromodomain helicase DNA binding protein 7; plus strand). Cytogenetic location: 8q12.2.
Variant type: single nucleotide variant.
Coding change: c.8191G>A on transcript NM_017780.4 (MANE Select); coding-DNA position 8191, G replaced by A.
Protein change: p.Ala2731Thr; replaces alanine 2731 with threonine.
Molecular consequence: missense variant.
Genome position (GRCh38, 1-based): chr8:60,865,130, G>A. VCF-style: chr8-60865130-G-A. GRCh37 (hg19) VCF-style: chr8-61777689-G-A.
Other names: c.2044G>A, p.Ala682Thr (NM_001316690.1); short protein forms A2731T, A682T.
Identifiers: ClinVar variation 2198967 (VCV002198967.5), dbSNP rs2488143378, ClinGen allele CA371307638.